The following is an entry in ClinVar:

NM_000199.5(SGSH):c.721A>G (p.Thr241Ala)

Gene: SGSH (N-sulfoglucosamine sulfohydrolase; minus strand). Cytogenetic location: 17q25.3.
Variant type: single nucleotide variant.
Coding change: c.721A>G on transcript NM_000199.5 (MANE Select); coding-DNA position 721, A replaced by G.
Protein change: p.Thr241Ala; replaces threonine 241 with alanine.
Molecular consequence: missense variant. On other transcripts: non-coding transcript variant (1).
Genome position (GRCh38, 1-based): chr17:80,213,828, T>C on the plus strand (A>G on the coding strand, the complement: SGSH is on the minus strand). VCF-style: chr17-80213828-T-C. GRCh37 (hg19) VCF-style: chr17-78187627-T-C.
Other names: c.721A>G, p.Thr241Ala (NM_001352921.3, NM_001352922.2); short protein forms T241A.
Identifiers: ClinVar variation 2064175 (VCV002064175.1), dbSNP rs1349435982, ClinGen allele CA401361232.

ClinVar aggregate classification (germline): Uncertain significance (1 of 4 stars; one submission).

Conditions:
Mucopolysaccharidosis, MPS-III-A (MPS3A). Also called: HEPARAN SULFATE SULFATASE DEFICIENCY; SANFILIPPO SYNDROME A; SULFAMIDASE DEFICIENCY; MPS III A; Mucopolysaccharidosis, type IIIA; MUCOPOLYSACCHARIDOSIS, TYPE IIIA, ATTENUATED. Identifiers: Orphanet 581, Orphanet 79269, MedGen C0086647, MONDO:0009655, OMIM 252900.

Allele frequency attached by ClinVar (database versions not stated): gnomAD exomes below 0.00001.
gnomAD v4.1: 1 of 1,607,680 alleles (0.000062%); highest among the groups gnomAD compares: Admixed American, 0.0017%; no homozygotes.

Submission:

Labcorp Genetics (formerly Invitae), Labcorp
Classification: Uncertain significance for Mucopolysaccharidosis, MPS-III-A. Last evaluated: 2022-05-15. Review status: criteria provided, single submitter. Criteria: Invitae Variant Classification Sherloc (09022015). Collection method: clinical testing. Allele origin: germline.
Comment: This sequence change replaces threonine, which is neutral and polar, with alanine, which is neutral and non-polar, at codon 241 of the SGSH protein (p.Thr241Ala). The frequency data for this variant in the population databases is considered unreliable, as metrics indicate poor data quality at this position in the gnomAD database. This variant has not been reported in the literature in individuals affected with SGSH-related conditions. Algorithms developed to predict the effect of missense changes on protein structure and function (SIFT, PolyPhen-2, Align-GVGD) all suggest that this variant is likely to be tolerated. In summary, the available evidence is currently insufficient to determine the role of this variant in disease. Therefore, it has been classified as a Variant of Uncertain Significance.